The following is an entry in ClinVar:

NM_005655.4(KLF10):c.36+2T>C

Gene: KLF10 (KLF transcription factor 10; minus strand). Cytogenetic location: 8q22.3.
Variant type: single nucleotide variant.
Coding change: c.36+2T>C on transcript NM_005655.4 (MANE Select); the canonical splice donor site of the intron after coding-DNA position 36, T replaced by C.
Molecular consequence: splice donor variant.
Genome position (GRCh38, 1-based): chr8:102,655,564, A>G on the plus strand (T>C on the coding strand, the complement: KLF10 is on the minus strand). VCF-style: chr8-102655564-A-G. GRCh37 (hg19) VCF-style: chr8-103667792-A-G.
Identifiers: ClinVar variation 2740229 (VCV002740229.3), dbSNP rs780441982, ClinGen allele CA4833739.

ClinVar aggregate classification (germline): Uncertain significance (1 of 4 stars; one submission).

Allele frequency attached by ClinVar (database versions not stated): gnomAD exomes below 0.00001; TOPMed 0.00005; ExAC 0.00001; gnomAD 0.00006.

Submission:

Labcorp Genetics (formerly Invitae), Labcorp
Classification: Uncertain significance. Last evaluated: 2026-01-25. Review status: criteria provided, single submitter. Criteria: Invitae Variant Classification Sherloc (09022015). Collection method: clinical testing. Allele origin: germline.
Comment: This sequence change affects a donor splice site in intron 1 of the KLF10 gene. It is expected to disrupt RNA splicing. Variants that disrupt the donor or acceptor splice site typically lead to a loss of protein function (PMID: 16199547), however the current clinical and genetic evidence is not sufficient to establish whether loss-of-function variants in KLF10 cause disease. This variant is present in population databases (rs780441982, gnomAD 0.03%). This variant has not been reported in the literature in individuals affected with KLF10-related conditions. ClinVar contains an entry for this variant (Variation ID: 2740229). Algorithms developed to predict the effect of sequence changes on RNA splicing suggest that this variant may disrupt the consensus splice site. In summary, the available evidence is currently insufficient to determine the role of this variant in disease. Therefore, it has been classified as a Variant of Uncertain Significance.

Literature cited by the submitters: PubMed 16199547.